The following is an entry in ClinVar:

ClinVar aggregate classification (germline): Uncertain significance (1 of 4 stars; one submission).

Conditions:
MHC class I deficiency. Identifiers: Orphanet 34592, MedGen C6024714, MONDO:0011476.

Allele frequency attached by ClinVar (database versions not stated): TOPMed below 0.00001; gnomAD exomes below 0.00001.
gnomAD v4.1: 3 of 1,609,678 alleles (0.00019%); highest among the groups gnomAD compares: Non-Finnish European, 0.00017%; no homozygotes.

Submission:

Labcorp Genetics (formerly Invitae), Labcorp
Classification: Uncertain significance for MHC class I deficiency 1. Last evaluated: 2024-01-18. Review status: criteria provided, single submitter. Criteria: Invitae Variant Classification Sherloc (09022015). Collection method: clinical testing. Allele origin: germline.
Comment: This sequence change replaces arginine, which is basic and polar, with tryptophan, which is neutral and slightly polar, at codon 97 of the TAP1 protein (p.Arg97Trp). This variant is not present in population databases (gnomAD no frequency). This variant has not been reported in the literature in individuals affected with TAP1-related conditions. ClinVar contains an entry for this variant (Variation ID: 654569). An algorithm developed to predict the effect of missense changes on protein structure and function (PolyPhen-2) suggests that this variant¬†is likely to be tolerated. In summary, the available evidence is currently insufficient to determine the role of this variant in disease. Therefore, it has been classified as a Variant of Uncertain Significance.

NM_000593.6(TAP1):c.109C>T (p.Arg37Trp)

Gene: TAP1 (transporter 1, ATP binding cassette subfamily B member; minus strand). Cytogenetic location: 6p21.32.
Variant type: single nucleotide variant.
Coding change: c.109C>T on transcript NM_000593.6 (MANE Select); coding-DNA position 109, C replaced by T.
Protein change: p.Arg37Trp; replaces arginine 37 with tryptophan.
Molecular consequence: missense variant.
Genome position (GRCh38, 1-based): chr6:32,853,528, G>A on the plus strand (C>T on the coding strand, the complement: TAP1 is on the minus strand). VCF-style: chr6-32853528-G-A. GRCh37 (hg19) VCF-style: chr6-32821305-G-A.
Other names: short protein forms R97W, R37W.
Identifiers: ClinVar variation 654569 (VCV000654569.7), dbSNP rs923642035, ClinGen allele CA136998323.